The following is an entry in ClinVar:

NM_001034853.2(RPGR):c.2854G>C (p.Glu952Gln)

Gene: RPGR (retinitis pigmentosa GTPase regulator; minus strand). Cytogenetic location: Xp11.4.
Variant type: single nucleotide variant.
Coding change: c.2854G>C on transcript NM_001034853.2 (MANE Select); coding-DNA position 2854, G replaced by C.
Protein change: p.Glu952Gln; replaces glutamic acid 952 with glutamine.
Molecular consequence: missense variant. On other transcripts: intron variant (8).
Genome position (GRCh38, 1-based): chrX:38,286,145, C>G on the plus strand (G>C on the coding strand, the complement: RPGR is on the minus strand). VCF-style: chrX-38286145-C-G. GRCh37 (hg19) VCF-style: chrX-38145398-C-G.
Other names: c.1569+4814G>C (NM_001367249.1, NM_001367250.1); c.1902+949G>C (NM_001367245.1); c.1386+4814G>C (NM_001367251.1); c.1719+949G>C (NM_001367246.1); c.1572+4814G>C (NM_001367247.1); c.1905+949G>C (NM_000328.3); c.1602+4814G>C (NM_001367248.1); short protein forms E952Q.
Identifiers: ClinVar variation 4781315 (VCV004781315.1).

ClinVar aggregate classification (germline): Uncertain significance (1 of 4 stars; one submission).

Conditions:
Primary ciliary dyskinesia. Also called: Ciliary dyskinesia. Identifiers: Orphanet 244, MedGen C0008780, MONDO:0016575, HP:0012265.

Submission:

Labcorp Genetics (formerly Invitae), Labcorp
Classification: Uncertain significance for Primary ciliary dyskinesia. Last evaluated: 2025-10-25. Review status: criteria provided, single submitter. Criteria: Invitae Variant Classification Sherloc (09022015). Collection method: clinical testing. Allele origin: germline.
Comment: This sequence change replaces glutamic acid, which is acidic and polar, with glutamine, which is neutral and polar, at codon 952 of the RPGR (ORF15) protein (p.Glu952Gln). The frequency data for this variant in the population databases is considered unreliable, as metrics indicate insufficient coverage at this position in the gnomAD database. This variant has not been reported in the literature in individuals affected with RPGR (ORF15)-related conditions. Invitae Evidence Modeling of protein sequence and biophysical properties (such as structural, functional, and spatial information, amino acid conservation, physicochemical variation, residue mobility, and thermodynamic stability) indicates that this missense variant is not expected to disrupt RPGR (ORF15) protein function with a negative predictive value of 95%. In summary, the available evidence is currently insufficient to determine the role of this variant in disease. Therefore, it has been classified as a Variant of Uncertain Significance.